The following is an entry in ClinVar:

ClinVar aggregate classification (germline): Likely benign. Review status: criteria provided, multiple submitters, no conflicts (2 of 4 stars). 2 submissions from 2 submitters: Likely benign (2). Last evaluated 2025-06-12.

Conditions:
FAM20A-related disorder. Also called: FAM20A-related condition.

Allele frequency attached by ClinVar (database versions not stated): gnomAD exomes 0.00003; ExAC 0.00010; gnomAD 0.00017; 1000 Genomes Project 0.00020; TOPMed 0.00023; 1000 Genomes Project 30x 0.00031.
gnomAD v4.1: 65 of 1,583,012 alleles (0.0041%); highest among the groups gnomAD compares: African/African-American, 0.081%; no homozygotes.

Submissions (2):

Labcorp Genetics (formerly Invitae), Labcorp
Classification: Likely benign. Last evaluated: 2025-06-12. Review status: criteria provided, single submitter. Criteria: Invitae Variant Classification Sherloc (09022015). Collection method: clinical testing. Allele origin: germline.

PreventionGenetics, part of Exact Sciences
Classification: Likely benign for FAM20A-related condition. Last evaluated: 2025-05-14. Review status: criteria provided, single submitter. Criteria: ACMG Guidelines, 2015. Collection method: clinical testing. Allele origin: germline.
Comment: This variant is classified as likely benign based on ACMG/AMP sequence variant interpretation guidelines (Richards et al. 2015 PMID: 25741868, with internal and published modifications).

NM_017565.4(FAM20A):c.156C>T (p.Ser52=)

Gene: FAM20A (FAM20A golgi associated secretory pathway pseudokinase; minus strand). Cytogenetic location: 17q24.2.
Variant type: single nucleotide variant.
Coding change: c.156C>T on transcript NM_017565.4 (MANE Select); coding-DNA position 156, C replaced by T.
Protein change: p.Ser52=; no amino-acid change (serine 52 retained).
Molecular consequence: synonymous variant. On other transcripts: 5 prime UTR variant (1).
Genome position (GRCh38, 1-based): chr17:68,600,511, G>A on the plus strand (C>T on the coding strand, the complement: FAM20A is on the minus strand). VCF-style: chr17-68600511-G-A. GRCh37 (hg19) VCF-style: chr17-66596652-G-A.
Other names: c.156C>T (NM_017565.3); c.-485C>T (NM_001243746.2).
Identifiers: ClinVar variation 2887456 (VCV002887456.4), dbSNP rs573005058, ClinGen allele CA8730172.